The following is an entry in ClinVar:

NM_000302.4(PLOD1):c.1203-3C>T

Gene: PLOD1 (procollagen-lysine,2-oxoglutarate 5-dioxygenase 1; plus strand). Cytogenetic location: 1p36.22.
Variant type: single nucleotide variant.
Coding change: c.1203-3C>T on transcript NM_000302.4 (MANE Select); 3 bases into the intron before coding-DNA position 1203, C replaced by T.
Molecular consequence: intron variant.
Genome position (GRCh38, 1-based): chr1:11,964,172, C>T. VCF-style: chr1-11964172-C-T. GRCh37 (hg19) VCF-style: chr1-12024229-C-T.
Other names: p.?; c.1344-3C>T (NM_001316320.2).
Identifiers: ClinVar variation 459805 (VCV000459805.69), dbSNP rs376288573, ClinGen allele CA598327.

ClinVar aggregate classification (germline): Conflicting classifications of pathogenicity. Review status: criteria provided, conflicting classifications (1 of 4 stars). 10 submissions from 10 submitters: Uncertain significance (7); Likely benign (2). 1 of the submissions does not count toward it. Last evaluated 2025-06-11.

Conditions:
PLOD1-related disorder. Also called: PLOD1-related condition.
Familial thoracic aortic aneurysm and aortic dissection (TAAD). Also called: Thoracic aortic aneurysms and dissections. Identifiers: Orphanet 91387, MedGen C4707243, MONDO:0019625.
Ehlers-Danlos syndrome, kyphoscoliotic type 1 (EDSKSCL1). Also called: Ehlers-Danlos syndrome, hydroxylysine-deficient; EHLERS-DANLOS SYNDROME, OCULAR-SCOLIOTIC TYPE; PLOD1-Related Kyphoscoliotic Ehlers-Danlos Syndrome; EHLERS-DANLOS SYNDROME, TYPE VIA. Identifiers: Orphanet 1900, MedGen C0268342, MONDO:0016002, OMIM 225400. Disease mechanism: loss of function.

Allele frequency attached by ClinVar (database versions not stated): gnomAD 0.00007 and 0.00009; ESP Exome Variant Server 0.00008; ExAC 0.00012; gnomAD exomes 0.00012 and 0.00013; TOPMed 0.00013.
gnomAD v4.1: 191 of 1,613,808 alleles (0.012%); highest among the groups gnomAD compares: Middle Eastern, 0.016%; no homozygotes.

Submissions (10):

Ambry Genetics
Classification: Uncertain significance for Familial thoracic aortic aneurysm and aortic dissection. Last evaluated: 2025-06-11. Review status: criteria provided, single submitter. Criteria: Ambry Variant Classification Scheme 2023. Collection method: clinical testing. Allele origin: germline.
Comment: The c.1203-3C>T intronic variant results from a C to T substitution 3 nucleotides upstream from coding exon 12 in the PLOD1 gene. This nucleotide position is well conserved in available vertebrate species. In silico splice site analysis predicts that this alteration will not have any significant effect on splicing. Based on the available evidence, the clinical significance of this variant remains unclear.

Women's Health and Genetics/Laboratory Corporation of America, LabCorp
Classification: Uncertain significance. Last evaluated: 2025-04-23. Review status: criteria provided, single submitter. Criteria: LabCorp Variant Classification Summary - May 2015. Collection method: clinical testing. Allele origin: germline.
Comment: Variant summary: PLOD1 c.1203-3C>T alters a conserved nucleotide located close to a canonical splice site and therefore could affect mRNA splicing, leading to a significantly altered protein sequence. Consensus agreement among computation tools predict no significant impact on normal splicing. However, these predictions have yet to be confirmed by functional studies. The variant allele was found at a frequency of 0.00013 in 282652 control chromosomes. This frequency is not significantly higher than estimated for a pathogenic variant in PLOD1 causing Ehlers-Danlos Syndrome Type VI (0.00013 vs 0.0016), allowing no conclusion about variant significance. To our knowledge, no occurrence of c.1203-3C>T in individuals affected with Ehlers-Danlos Syndrome Type VI and no experimental evidence demonstrating its impact on protein function have been reported. ClinVar contains an entry for this variant (Variation ID: 459805). Based on the evidence outlined above, the variant was classified as uncertain significance.

Mayo Clinic Laboratories, Mayo Clinic
Classification: Likely benign. Last evaluated: 2025-04-09. Review status: criteria provided, single submitter. Criteria: ACMG Guidelines, 2015. Collection method: clinical testing. Allele origin: germline. Observed: 1 variant allele.
Comment: BP4, BP7

ARUP Laboratories, Molecular Genetics and Genomics, ARUP Laboratories
Classification: Uncertain significance for Ehlers-Danlos syndrome, kyphoscoliotic type 1. Last evaluated: 2024-02-22. Review status: criteria provided, single submitter. Criteria: ARUP Molecular Germline Variant Investigation Process 2024. Collection method: clinical testing. Allele origin: germline.
Comment: The PLOD1 c.1203-3C>T variant (rs376288573), to our knowledge, is not reported in the medical literature but is reported in ClinVar (Variation ID: 459805). This variant is found in the non-Finnish European population with an allele frequency of 0.026% (34/129,148 alleles) in the Genome Aggregation Database (v2.1.1). This is an intronic variant and computational analyses (Alamut Visual Plus v.1.5.1) predict that this variant may impact splicing. Since this variant is located within the minimal splice region, the clinical significance of this variant is uncertain at this time.

Labcorp Genetics (formerly Invitae), Labcorp
Classification: Uncertain significance for Ehlers-Danlos syndrome, kyphoscoliotic type 1. Last evaluated: 2022-08-23. Review status: criteria provided, single submitter. Criteria: Invitae Variant Classification Sherloc (09022015). Collection method: clinical testing. Allele origin: germline.
Comment: This sequence change falls in intron 11 of the PLOD1 gene. It does not directly change the encoded amino acid sequence of the PLOD1 protein. It affects a nucleotide within the consensus splice site. This variant is present in population databases (rs376288573, gnomAD 0.02%). This variant has not been reported in the literature in individuals affected with PLOD1-related conditions. ClinVar contains an entry for this variant (Variation ID: 459805). Variants that disrupt the consensus splice site are a relatively common cause of aberrant splicing (PMID: 17576681, 9536098). Algorithms developed to predict the effect of sequence changes on RNA splicing suggest that this variant is not likely to affect RNA splicing. In summary, the available evidence is currently insufficient to determine the role of this variant in disease. Therefore, it has been classified as a Variant of Uncertain Significance.

GeneDx
Classification: Likely benign. Last evaluated: 2021-04-06. Review status: criteria provided, single submitter. Criteria: GeneDx Variant Classification Process June 2021. Collection method: clinical testing. Allele origin: germline. Affected: yes.

Revvity Omics, Revvity
Classification: Uncertain significance for Ehlers-Danlos syndrome, kyphoscoliotic type 1. Last evaluated: 2019-05-02. Review status: criteria provided, single submitter. Criteria: ACMG Guidelines, 2015. Collection method: clinical testing. Allele origin: germline.

Illumina Laboratory Services, Illumina
Classification: Uncertain significance for Ehlers-Danlos syndrome, kyphoscoliotic type 1. Last evaluated: 2018-01-13. Review status: criteria provided, single submitter. Criteria: ICSL Variant Classification Criteria 13 December 2019. Collection method: clinical testing. Allele origin: germline.

CeGaT Center for Human Genetics Tuebingen
Classification: Uncertain significance. Last evaluated: 2017-08-01. Review status: criteria provided, single submitter. Criteria: CeGaT Center For Human Genetics Tuebingen Variant Classification Criteria Version 2. Collection method: clinical testing. Allele origin: germline. Affected: yes. Observed: 2 variant alleles.

PreventionGenetics, part of Exact Sciences
Classification: Likely benign for PLOD1-related condition. Last evaluated: 2024-03-08. Review status: no assertion criteria provided. Collection method: clinical testing. Allele origin: germline. Not counted in ClinVar's aggregate classification.
Comment: This variant is classified as likely benign based on ACMG/AMP sequence variant interpretation guidelines (Richards et al. 2015 PMID: 25741868, with internal and published modifications).

Literature cited by the submitters: PubMed 17576681 (cited by Labcorp Genetics (formerly Invitae), Labcorp); PubMed 9536098 (cited by Labcorp Genetics (formerly Invitae), Labcorp).